The following is an entry in ClinVar:

NM_001330360.2(POLA1):c.3296+10G>A

Gene: POLA1 (DNA polymerase alpha 1, catalytic subunit; plus strand). Cytogenetic location: Xp22.11.
Variant type: single nucleotide variant.
Coding change: c.3296+10G>A on transcript NM_001330360.2 (MANE Select); 10 bases into the intron after coding-DNA position 3296, G replaced by A.
Molecular consequence: intron variant.
Genome position (GRCh38, 1-based): chrX:24,812,873, G>A. VCF-style: chrX-24812873-G-A. GRCh37 (hg19) VCF-style: chrX-24830990-G-A.
Other names: c.3221+10G>A (NM_001378303.1); c.3278+10G>A (NM_016937.4).
Identifiers: ClinVar variation 3044515 (VCV003044515.4), dbSNP rs2518669432, ClinGen allele CA515712645.

ClinVar aggregate classification (germline): Likely benign. Review status: criteria provided, single submitter (1 of 4 stars). 2 submissions from 2 submitters: Likely benign (1). 1 of the submissions does not count toward it. Last evaluated 2024-07-12.

Conditions:
POLA1-related disorder. Also called: POLA1-related condition.

Allele frequency attached by ClinVar (database versions not stated): gnomAD exomes 0.00002.
gnomAD v4.1: 20 of 1,111,605 alleles (0.0018%); highest among the groups gnomAD compares: Middle Eastern, 0.5%; no homozygotes.

Submissions (2):

Labcorp Genetics (formerly Invitae), Labcorp
Classification: Likely benign. Last evaluated: 2024-07-12. Review status: criteria provided, single submitter. Criteria: Invitae Variant Classification Sherloc (09022015). Collection method: clinical testing. Allele origin: germline.

PreventionGenetics, part of Exact Sciences
Classification: Likely benign for POLA1-related condition. Last evaluated: 2022-01-28. Review status: no assertion criteria provided. Collection method: clinical testing. Allele origin: germline. Not counted in ClinVar's aggregate classification.
Comment: This variant is classified as likely benign based on ACMG/AMP sequence variant interpretation guidelines (Richards et al. 2015 PMID: 25741868, with internal and published modifications).